The following is an entry in ClinVar:

NM_018263.6(ASXL2):c.1822G>A (p.Gly608Arg)

Gene: ASXL2 (ASXL transcriptional regulator 2; minus strand). Cytogenetic location: 2p23.3.
Variant type: single nucleotide variant.
Coding change: c.1822G>A on transcript NM_018263.6 (MANE Select); coding-DNA position 1822, G replaced by A.
Protein change: p.Gly608Arg; replaces glycine 608 with arginine.
Molecular consequence: missense variant.
Genome position (GRCh38, 1-based): chr2:25,749,734, C>T on the plus strand (G>A on the coding strand, the complement: ASXL2 is on the minus strand). VCF-style: chr2-25749734-C-T. GRCh37 (hg19) VCF-style: chr2-25972603-C-T.
Other names: c.1648G>A, p.Gly550Arg (NM_001369346.1); c.1042G>A, p.Gly348Arg (NM_001369347.1); short protein forms G348R, G550R, G608R.
Identifiers: ClinVar variation 3769018 (VCV003769018.1).

ClinVar aggregate classification (germline): Uncertain significance (1 of 4 stars; one submission).

gnomAD v4.1: 35 of 1,550,550 alleles (0.0023%); highest among the groups gnomAD compares: Non-Finnish European, 0.0029%; no homozygotes.

Submission:

Women's Health and Genetics/Laboratory Corporation of America, LabCorp
Classification: Uncertain significance. Last evaluated: 2025-02-17. Review status: criteria provided, single submitter. Criteria: LabCorp Variant Classification Summary - May 2015. Collection method: clinical testing. Allele origin: germline.
Comment: Variant summary: ASXL2 c.1822G>A (p.Gly608Arg) results in a non-conservative amino acid change in the encoded protein sequence. Three of five in-silico tools predict a damaging effect of the variant on protein function. The variant allele was found at a frequency of 2e-05 in 196150 control chromosomes. The available data on variant occurrences in the general population are insufficient to allow any conclusion about variant significance. To our knowledge, no occurrence of c.1822G>A in individuals affected with Shashi-Pena Syndrome and no experimental evidence demonstrating its impact on protein function have been reported. No submitters have cited clinical-significance assessments for this variant to ClinVar. Based on the evidence outlined above, the variant was classified as uncertain significance.